The following is an entry in ClinVar:

NM_001371623.1(TCOF1):c.2588G>A (p.Gly863Glu)

Gene: TCOF1 (treacle ribosome biogenesis factor 1; plus strand). Cytogenetic location: 5q32.
Variant type: single nucleotide variant.
Coding change: c.2588G>A on transcript NM_001371623.1 (MANE Select); coding-DNA position 2588, G replaced by A.
Protein change: p.Gly863Glu; replaces glycine 863 with glutamic acid.
Molecular consequence: missense variant.
Genome position (GRCh38, 1-based): chr5:150,379,338, G>A. VCF-style: chr5-150379338-G-A. GRCh37 (hg19) VCF-style: chr5-149758901-G-A.
Other names: c.2357G>A, p.Gly786Glu (NM_000356.4, NM_001135245.2); c.2588G>A, p.Gly863Glu (NM_001008657.3, NM_001135243.2, NM_001135244.2 and 1 more transcripts); short protein forms G786E, G863E.
Identifiers: ClinVar variation 1718853 (VCV001718853.6), dbSNP rs2533674946, ClinGen allele CA361758508.

ClinVar aggregate classification (germline): Uncertain significance (1 of 4 stars; one submission).

Conditions:
Treacher Collins syndrome 1 (TCS1). Also called: TCOF1-Related Treacher Collins Syndrome. Identifiers: Orphanet 861, MedGen CN315775, MONDO:0007944, OMIM 154500.

Allele frequency attached by ClinVar (database versions not stated): gnomAD exomes 0.00001.
gnomAD v4.1: 8 of 1,614,240 alleles (0.0005%); highest among the groups gnomAD compares: Non-Finnish European, 0.00068%; no homozygotes.

Submission:

Labcorp Genetics (formerly Invitae), Labcorp
Classification: Uncertain significance for Treacher Collins syndrome 1. Last evaluated: 2022-09-05. Review status: criteria provided, single submitter. Criteria: Invitae Variant Classification Sherloc (09022015). Collection method: clinical testing. Allele origin: germline.
Comment: This sequence change replaces glycine, which is neutral and non-polar, with glutamic acid, which is acidic and polar, at codon 863 of the TCOF1 protein (p.Gly863Glu). This variant is not present in population databases (gnomAD no frequency). This variant has not been reported in the literature in individuals affected with TCOF1-related conditions. Algorithms developed to predict the effect of missense changes on protein structure and function output the following: SIFT: "Deleterious"; PolyPhen-2: "Benign"; Align-GVGD: "Class C65". The glutamic acid amino acid residue is found in multiple mammalian species, which suggests that this missense change does not adversely affect protein function. In summary, the available evidence is currently insufficient to determine the role of this variant in disease. Therefore, it has been classified as a Variant of Uncertain Significance.